The following is an entry in ClinVar:

NM_015512.5(DNAH1):c.7859A>G (p.Glu2620Gly)

Gene: DNAH1 (dynein axonemal heavy chain 1; plus strand). Cytogenetic location: 3p21.1.
Variant type: single nucleotide variant.
Coding change: c.7859A>G on transcript NM_015512.5 (MANE Select); coding-DNA position 7859, A replaced by G.
Protein change: p.Glu2620Gly; replaces glutamic acid 2620 with glycine.
Molecular consequence: missense variant.
Genome position (GRCh38, 1-based): chr3:52,382,373, A>G. VCF-style: chr3-52382373-A-G. GRCh37 (hg19) VCF-style: chr3-52416389-A-G.
Other names: short protein forms E2620G.
Identifiers: ClinVar variation 653568 (VCV000653568.2), dbSNP rs865882866, ClinGen allele CA74771018.
Genomic context (GRCh38, chr3:52,382,373, plus strand): 5'-CCTCCAGGGCCGAGTACGAGTGCTTCCAGATTGAACTATCCAAGAACTACGGCATGTCCG[A>G]GTGGCGAGATGATGTGAAGAAGGTCCTGCTCAAGGCGGGCCTACAGAACCTACCCATCAC-3'
Protein context (NP_056327.4, residues 2610-2630): IELSKNYGMS[Glu2620Gly]WRDDVKKVLL

ClinVar aggregate classification (germline): Uncertain significance (1 of 4 stars; one submission).

Conditions:
Spermatogenic failure 18. Identifiers: MedGen C4539783, MONDO:0054615, OMIM 617576.
Ciliary dyskinesia, primary, 37 (CILD37). Also called: CILIARY DYSKINESIA, PRIMARY, 37, WITH OR WITHOUT SITUS INVERSUS. Identifiers: MedGen C4539798, MONDO:0033204, OMIM 617577.

Allele frequency attached by ClinVar (database versions not stated): gnomAD exomes 0.00004.
gnomAD v4.1: 25 of 1,613,990 alleles (0.0015%); highest among the groups gnomAD compares: Middle Eastern, 0.41%; 1 homozygote.

Submission:

Labcorp Genetics (formerly Invitae), Labcorp
Classification: Uncertain significance for Ciliary dyskinesia, primary, 37; Spermatogenic failure 18. Last evaluated: 2019-05-30. Review status: criteria provided, single submitter. Criteria: Invitae Variant Classification Sherloc (09022015). Collection method: clinical testing. Allele origin: germline.
Comment: This sequence change replaces glutamic acid with glycine at codon 2620 of the DNAH1 protein (p.Glu2620Gly). The glutamic acid residue is highly conserved and there is a moderate physicochemical difference between glutamic acid and glycine. This variant is not present in population databases (ExAC no frequency). This variant has not been reported in the literature in individuals with DNAH1-related disease. Algorithms developed to predict the effect of missense changes on protein structure and function are either unavailable or do not agree on the potential impact of this missense change (SIFT: "Deleterious"; PolyPhen-2: "Possibly Damaging"; Align-GVGD: "Class C0"). In summary, the available evidence is currently insufficient to determine the role of this variant in disease. Therefore, it has been classified as a Variant of Uncertain Significance.